The following is an entry in ClinVar:

ClinVar aggregate classification (germline): Uncertain significance (1 of 4 stars; one submission).

Submission:

Labcorp Genetics (formerly Invitae), Labcorp
Classification: Uncertain significance. Last evaluated: 2024-03-20. Review status: criteria provided, single submitter. Criteria: Invitae Variant Classification Sherloc (09022015). Collection method: clinical testing. Allele origin: germline.
Comment: This sequence change replaces lysine, which is basic and polar, with arginine, which is basic and polar, at codon 1738 of the SCN3A protein (p.Lys1738Arg). This variant is not present in population databases (gnomAD no frequency). This variant has not been reported in the literature in individuals affected with SCN3A-related conditions. ClinVar contains an entry for this variant (Variation ID: 1408526). Advanced modeling of protein sequence and biophysical properties (such as structural, functional, and spatial information, amino acid conservation, physicochemical variation, residue mobility, and thermodynamic stability) performed at Invitae indicates that this missense variant is not expected to disrupt SCN3A protein function with a negative predictive value of 95%. In summary, the available evidence is currently insufficient to determine the role of this variant in disease. Therefore, it has been classified as a Variant of Uncertain Significance.

NM_006922.4(SCN3A):c.5213A>G (p.Lys1738Arg)

Gene: SCN3A (sodium voltage-gated channel alpha subunit 3; minus strand). Cytogenetic location: 2q24.3.
Variant type: single nucleotide variant.
Coding change: c.5213A>G on transcript NM_006922.4 (MANE Select); coding-DNA position 5213, A replaced by G.
Protein change: p.Lys1738Arg; replaces lysine 1738 with arginine.
Molecular consequence: missense variant.
Genome position (GRCh38, 1-based): chr2:165,090,940, T>C on the plus strand (A>G on the coding strand, the complement: SCN3A is on the minus strand). VCF-style: chr2-165090940-T-C. GRCh37 (hg19) VCF-style: chr2-165947450-T-C.
Other names: c.5066A>G, p.Lys1689Arg (NM_001081676.2, NM_001081677.2); short protein forms K1689R, K1738R.
Identifiers: ClinVar variation 1408526 (VCV001408526.8), dbSNP rs1559174537, ClinGen allele CA349016759.